The following is an entry in ClinVar:

ClinVar aggregate classification (germline): Uncertain significance (1 of 4 stars; one submission).

Conditions:
P2RX2-related disorder. Also called: P2RX2-related condition.

gnomAD v4.1: 3 of 1,611,898 alleles (0.00019%); highest among the groups gnomAD compares: African/African-American, 0.0013%; no homozygotes.

Submission:

PreventionGenetics, part of Exact Sciences
Classification: Uncertain significance for P2RX2-related condition. Last evaluated: 2026-04-13. Review status: criteria provided, single submitter. Criteria: ACMG Guidelines, 2015. Collection method: clinical testing. Allele origin: germline.
Comment: The P2RX2 c.289G>A variant is predicted to result in the amino acid substitution p.Glu97Lys. To our knowledge, this variant has not been reported in the literature or in a large population database (gnomAD), indicating this variant is rare. At this time, the clinical significance of this variant is uncertain due to the absence of conclusive functional and genetic evidence.

NM_170682.4(P2RX2):c.289G>A (p.Glu97Lys)

Gene: P2RX2 (purinergic receptor P2X 2; plus strand). Cytogenetic location: 12q24.33.
Variant type: single nucleotide variant.
Coding change: c.289G>A on transcript NM_170682.4 (MANE Select); coding-DNA position 289, G replaced by A.
Protein change: p.Glu97Lys; replaces glutamic acid 97 with lysine.
Molecular consequence: missense variant. On other transcripts: intron variant (1).
Genome position (GRCh38, 1-based): chr12:132,619,554, G>A. VCF-style: chr12-132619554-G-A. GRCh37 (hg19) VCF-style: chr12-133196140-G-A.
Other names: c.289G>A, p.Glu97Lys (NM_001282164.2, NM_001282165.2, NM_016318.4 and 2 more transcripts); c.221G>A, p.Gly74Glu (NM_012226.5); c.106-290G>A (NM_174872.3); short protein forms E97K, G74E.
Identifiers: ClinVar variation 4995916 (VCV004995916.1).